The following is an entry in ClinVar:

NM_012213.3(MLYCD):c.208G>A (p.Asp70Asn)

Gene: MLYCD (malonyl-CoA decarboxylase; plus strand). Cytogenetic location: 16q23.3.
Variant type: single nucleotide variant.
Coding change: c.208G>A on transcript NM_012213.3 (MANE Select); coding-DNA position 208, G replaced by A.
Protein change: p.Asp70Asn; replaces aspartic acid 70 with asparagine.
Molecular consequence: missense variant.
Genome position (GRCh38, 1-based): chr16:83,899,352, G>A. VCF-style: chr16-83899352-G-A. GRCh37 (hg19) VCF-style: chr16-83932957-G-A.
Other names: short protein forms D70N.
Identifiers: ClinVar variation 1355533 (VCV001355533.5), dbSNP rs1336491665, ClinGen allele CA396917859.

ClinVar aggregate classification (germline): Uncertain significance (1 of 4 stars; one submission).

Conditions:
Deficiency of malonyl-CoA decarboxylase. Also called: Malonic aciduria; MCD deficiency. Identifiers: Orphanet 943, MedGen C0342793, MONDO:0009556, OMIM 248360.

Allele frequency attached by ClinVar (database versions not stated): gnomAD exomes 0.00001 and 0.00002; gnomAD 0.00002; TOPMed 0.00002.
gnomAD v4.1: 14 of 1,524,148 alleles (0.00092%); highest among the groups gnomAD compares: Non-Finnish European, 0.001%; no homozygotes.

Submission:

Labcorp Genetics (formerly Invitae), Labcorp
Classification: Uncertain significance for Deficiency of malonyl-CoA decarboxylase. Last evaluated: 2021-08-27. Review status: criteria provided, single submitter. Criteria: Invitae Variant Classification Sherloc (09022015). Collection method: clinical testing. Allele origin: germline.
Comment: This sequence change replaces aspartic acid with asparagine at codon 70 of the MLYCD protein (p.Asp70Asn). The aspartic acid residue is weakly conserved and there is a small physicochemical difference between aspartic acid and asparagine. The frequency data for this variant in the population databases is considered unreliable, as metrics indicate insufficient coverage at this position in the ExAC database. This variant has not been reported in the literature in individuals affected with MLYCD-related conditions. Algorithms developed to predict the effect of missense changes on protein structure and function (SIFT, PolyPhen-2, Align-GVGD) all suggest that this variant is likely to be tolerated. In summary, the available evidence is currently insufficient to determine the role of this variant in disease. Therefore, it has been classified as a Variant of Uncertain Significance.